The following is an entry in ClinVar:

ClinVar aggregate classification (germline): Conflicting classifications of pathogenicity. Review status: criteria provided, conflicting classifications (1 of 4 stars). 4 submissions from 4 submitters: Uncertain significance (2); Benign (1); Likely benign (1). Last evaluated 2026-04-10.

Conditions:
CREBBP-related disorder. Also called: CREBBP-related disorders; CREBBP-related condition.
Inborn genetic diseases. Identifiers: MedGen C0950123, MeSH D030342.
Rubinstein-Taybi syndrome (RSTS). Identifiers: Orphanet 783, MedGen C0035934, MONDO:0019188.

Allele frequency attached by ClinVar (database versions not stated): ExAC 0.00001; gnomAD 0.00003 and 0.00004; TOPMed 0.00006.
gnomAD v4.1: 13 of 1,613,624 alleles (0.00081%); highest among the groups gnomAD compares: African/African-American, 0.017%; no homozygotes.

Submissions (4):

PreventionGenetics, part of Exact Sciences
Classification: Uncertain significance for CREBBP-related condition. Last evaluated: 2026-04-10. Review status: criteria provided, single submitter. Criteria: ACMG Guidelines, 2015. Collection method: clinical testing. Allele origin: germline.
Comment: The CREBBP c.6433A>G variant is predicted to result in the amino acid substitution p.Met2145Val. To our knowledge, this variant has not been reported in the literature. This variant is reported in 0.0062% of alleles in individuals of African descent in gnomAD, which may be too common to be causative. Although we suspect that this variant may be benign, at this time, the clinical significance of this variant is uncertain due to the absence of conclusive functional and genetic evidence.

Labcorp Genetics (formerly Invitae), Labcorp
Classification: Benign for Rubinstein-Taybi syndrome. Last evaluated: 2024-08-08. Review status: criteria provided, single submitter. Criteria: Invitae Variant Classification Sherloc (09022015). Collection method: clinical testing. Allele origin: germline.

Ambry Genetics
Classification: Uncertain significance for Inborn genetic diseases. Last evaluated: 2023-12-19. Review status: criteria provided, single submitter. Criteria: Ambry Variant Classification Scheme 2023. Collection method: clinical testing. Allele origin: germline.

GeneDx
Classification: Likely benign. Last evaluated: 2021-05-12. Review status: criteria provided, single submitter. Criteria: GeneDx Variant Classification Process June 2021. Collection method: clinical testing. Allele origin: germline. Affected: yes.
Comment: In silico analysis supports that this variant does not alter protein structure/function; Has not been previously published as pathogenic or benign to our knowledge

NM_004380.3(CREBBP):c.6433A>G (p.Met2145Val)

Gene: CREBBP (CREB binding lysine acetyltransferase; minus strand). Cytogenetic location: 16p13.3.
Variant type: single nucleotide variant.
Coding change: c.6433A>G on transcript NM_004380.3 (MANE Select); coding-DNA position 6433, A replaced by G.
Protein change: p.Met2145Val; replaces methionine 2145 with valine.
Molecular consequence: missense variant.
Genome position (GRCh38, 1-based): chr16:3,728,614, T>C on the plus strand (A>G on the coding strand, the complement: CREBBP is on the minus strand). VCF-style: chr16-3728614-T-C. GRCh37 (hg19) VCF-style: chr16-3778615-T-C.
Other names: c.6319A>G, p.Met2107Val (NM_001079846.1); short protein forms M2107V, M2145V.
Identifiers: ClinVar variation 1191425 (VCV001191425.10), dbSNP rs758386187, ClinGen allele CA7869113.